The following is an entry in ClinVar:

ClinVar aggregate classification (germline): Uncertain significance (1 of 4 stars; one submission).

gnomAD v4.1: 6 of 1,613,706 alleles (0.00037%); highest among the groups gnomAD compares: Non-Finnish European, 0.00034%; no homozygotes.

Submission:

GeneDx
Classification: Uncertain significance. Last evaluated: 2023-06-27. Review status: criteria provided, single submitter. Criteria: GeneDx Variant Classification Process June 2021. Collection method: clinical testing. Allele origin: germline. Affected: yes.
Comment: Nonsense variant predicted to result in protein truncation or nonsense mediated decay in a gene or region of a gene for which loss of function is not a well-established mechanism of disease; Has not been previously published as pathogenic or benign to our knowledge

NM_017852.5(NLRP2):c.1129C>T (p.Gln377Ter)

Gene: NLRP2 (NLR family pyrin domain containing 2; plus strand). Cytogenetic location: 19q13.42.
Variant type: single nucleotide variant.
Coding change: c.1129C>T on transcript NM_017852.5 (MANE Select); coding-DNA position 1129, C replaced by T.
Protein change: p.Gln377Ter; replaces glutamine 377 with a stop codon.
Molecular consequence: nonsense. On other transcripts: non-coding transcript variant (1).
Genome position (GRCh38, 1-based): chr19:54,982,827, C>T. VCF-style: chr19-54982827-C-T. GRCh37 (hg19) VCF-style: chr19-55494195-C-T.
Other names: c.1129C>T, p.Gln377Ter (NM_001174081.3); c.1063C>T, p.Gln355Ter (NM_001174082.3); c.1060C>T, p.Gln354Ter (NM_001174083.2); c.1120C>T, p.Gln374Ter (NM_001348003.2); short protein forms Q354*, Q355*, Q374*, Q377*.
Identifiers: ClinVar variation 3360213 (VCV003360213.1).